The following is an entry in ClinVar:

NM_014283.5(SUCO):c.551A>G (p.Glu184Gly)

Gene: SUCO (SUN domain containing ossification factor; plus strand). Cytogenetic location: 1q24.3.
Variant type: single nucleotide variant.
Coding change: c.551A>G on transcript NM_014283.5 (MANE Select); coding-DNA position 551, A replaced by G.
Protein change: p.Glu184Gly; replaces glutamic acid 184 with glycine.
Molecular consequence: missense variant. On other transcripts: 5 prime UTR variant (1).
Genome position (GRCh38, 1-based): chr1:172,557,387, A>G. VCF-style: chr1-172557387-A-G. GRCh37 (hg19) VCF-style: chr1-172526527-A-G.
Other names: c.440A>G, p.Glu147Gly (NM_001282750.2); c.-979A>G (NM_001282751.2); c.1025A>G, p.Glu342Gly (NM_016227.4); short protein forms E147G, E184G, E342G.
Identifiers: ClinVar variation 2167694 (VCV002167694.4), dbSNP rs1415946409, ClinGen allele CA343735081.

ClinVar aggregate classification (germline): Uncertain significance (1 of 4 stars; one submission).

Allele frequency attached by ClinVar (database versions not stated): gnomAD exomes 0.00001.
gnomAD v4.1: 4 of 1,614,002 alleles (0.00025%); highest among the groups gnomAD compares: Admixed American, 0.0067%; no homozygotes.

Submission:

Labcorp Genetics (formerly Invitae), Labcorp
Classification: Uncertain significance. Last evaluated: 2025-04-03. Review status: criteria provided, single submitter. Criteria: Invitae Variant Classification Sherloc (09022015). Collection method: clinical testing. Allele origin: germline.
Comment: This sequence change replaces glutamic acid, which is acidic and polar, with glycine, which is neutral and non-polar, at codon 184 of the SUCO protein (p.Glu184Gly). This variant is present in population databases (no rsID available, gnomAD 0.009%). This variant has not been reported in the literature in individuals affected with SUCO-related conditions. ClinVar contains an entry for this variant (Variation ID: 2167694). An algorithm developed to predict the effect of missense changes on protein structure and function (PolyPhen-2) suggests that this variant is likely to be tolerated. In summary, the available evidence is currently insufficient to determine the role of this variant in disease. Therefore, it has been classified as a Variant of Uncertain Significance.